The following is an entry in ClinVar:

ClinVar aggregate classification (germline): Uncertain significance (1 of 4 stars; one submission).

Allele frequency attached by ClinVar (database versions not stated): TOPMed 0.00001; ExAC 0.00002; gnomAD 0.00002; ESP Exome Variant Server 0.00009.
gnomAD v4.1: 20 of 1,208,816 alleles (0.0017%); highest among the groups gnomAD compares: South Asian, 0.0035%; no homozygotes.

Submission:

Labcorp Genetics (formerly Invitae), Labcorp
Classification: Uncertain significance. Last evaluated: 2025-01-29. Review status: criteria provided, single submitter. Criteria: Invitae Variant Classification Sherloc (09022015). Collection method: clinical testing. Allele origin: germline.
Comment: This sequence change replaces glutamic acid, which is acidic and polar, with lysine, which is basic and polar, at codon 341 of the ALAS2 protein (p.Glu341Lys). This variant is present in population databases (rs142713771, gnomAD 0.006%). This variant has not been reported in the literature in individuals affected with ALAS2-related conditions. ClinVar contains an entry for this variant (Variation ID: 2168513). Invitae Evidence Modeling of protein sequence and biophysical properties (such as structural, functional, and spatial information, amino acid conservation, physicochemical variation, residue mobility, and thermodynamic stability) indicates that this missense variant is not expected to disrupt ALAS2 protein function with a negative predictive value of 95%. In summary, the available evidence is currently insufficient to determine the role of this variant in disease. Therefore, it has been classified as a Variant of Uncertain Significance.

NM_000032.5(ALAS2):c.1021G>A (p.Glu341Lys)

Gene: ALAS2 (5'-aminolevulinate synthase 2; minus strand). Cytogenetic location: Xp11.21.
Variant type: single nucleotide variant.
Coding change: c.1021G>A on transcript NM_000032.5 (MANE Select); coding-DNA position 1021, G replaced by A.
Protein change: p.Glu341Lys; replaces glutamic acid 341 with lysine.
Molecular consequence: missense variant.
Genome position (GRCh38, 1-based): chrX:55,015,725, C>T on the plus strand (G>A on the coding strand, the complement: ALAS2 is on the minus strand). VCF-style: chrX-55015725-C-T. GRCh37 (hg19) VCF-style: chrX-55042158-C-T.
Other names: c.910G>A, p.Glu304Lys (NM_001037967.4); c.982G>A, p.Glu328Lys (NM_001037968.4); short protein forms E304K, E328K, E341K.
Identifiers: ClinVar variation 2168513 (VCV002168513.4), dbSNP rs142713771, ClinGen allele CA10428346.